The following is an entry in ClinVar:

NM_016938.5(EFEMP2):c.922C>T (p.Arg308Cys)

Gene: EFEMP2 (EGF-like fibulin extracellular matrix protein 2; minus strand). Cytogenetic location: 11q13.1.
Variant type: single nucleotide variant.
Coding change: c.922C>T on transcript NM_016938.5 (MANE Select); coding-DNA position 922, C replaced by T.
Protein change: p.Arg308Cys; replaces arginine 308 with cysteine.
Molecular consequence: missense variant. On other transcripts: non-coding transcript variant (1).
Genome position (GRCh38, 1-based): chr11:65,868,347, G>A on the plus strand (C>T on the coding strand, the complement: EFEMP2 is on the minus strand). VCF-style: chr11-65868347-G-A. GRCh37 (hg19) VCF-style: chr11-65635818-G-A.
Other names: short protein forms R308C.
Identifiers: ClinVar variation 1042083 (VCV001042083.8), dbSNP rs781700061, ClinGen allele CA6110486.
Genomic context (GRCh38, chr11:65,868,347, plus strand): 5'-TGACTCACTTCTCAGAGACCTGGATGTAGGGCTCCACGCAGCGGTTGGTGTCCACGCAGC[G>A]GTAGCCCCCATGGAAGTTGACACAGGTTTGGGCCTCGGAGCACTGGTGCGCACCAGACTC-3'
Protein context (NP_058634.4, residues 298-318): QTCVNFHGGY[Arg308Cys]CVDTNRCVEP

ClinVar aggregate classification (germline): Uncertain significance. Review status: criteria provided, multiple submitters, no conflicts (2 of 4 stars). 3 submissions from 3 submitters: Uncertain significance (3). Last evaluated 2024-12-13.

Conditions:
Cardiovascular phenotype. Identifiers: MedGen CN230736.
Cutis laxa, autosomal recessive, type 1B (ARCL1B). Also called: EFEMP2-Related Cutis Laxa; CUTIS LAXA, AUTOSOMAL RECESSIVE, TYPE IB. Identifiers: Orphanet 90349, MedGen C3280798, MONDO:0013754, OMIM 614437. Disease mechanism: loss of function.

Allele frequency attached by ClinVar (database versions not stated): ExAC 0.00002; gnomAD exomes 0.00002 and 0.00006; gnomAD 0.00003 and 0.00004; TOPMed 0.00004.
gnomAD v4.1: 102 of 1,613,730 alleles (0.0063%); highest among the groups gnomAD compares: Non-Finnish European, 0.0075%; no homozygotes.

Submissions (3):

Ambry Genetics
Classification: Uncertain significance for Cardiovascular phenotype. Last evaluated: 2024-12-13. Review status: criteria provided, single submitter. Criteria: Ambry Variant Classification Scheme 2023. Collection method: clinical testing. Allele origin: germline.
Comment: The p.R308C variant (also known as c.922C>T), located in coding exon 8 of the EFEMP2 gene, results from a C to T substitution at nucleotide position 922. The arginine at codon 308 is replaced by cysteine, an amino acid with highly dissimilar properties. This amino acid position is conserved. In addition, the in silico prediction for this alteration is inconclusive. Based on the available evidence, the clinical significance of this variant remains unclear.

Labcorp Genetics (formerly Invitae), Labcorp
Classification: Uncertain significance for Cutis laxa, autosomal recessive, type 1B. Last evaluated: 2022-08-23. Review status: criteria provided, single submitter. Criteria: Invitae Variant Classification Sherloc (09022015). Collection method: clinical testing. Allele origin: germline.
Comment: This sequence change replaces arginine, which is basic and polar, with cysteine, which is neutral and slightly polar, at codon 308 of the EFEMP2 protein (p.Arg308Cys). This variant is present in population databases (rs781700061, gnomAD 0.004%). This variant has not been reported in the literature in individuals affected with EFEMP2-related conditions. ClinVar contains an entry for this variant (Variation ID: 1042083). Algorithms developed to predict the effect of missense changes on protein structure and function (SIFT, PolyPhen-2, Align-GVGD) all suggest that this variant is likely to be disruptive. In summary, the available evidence is currently insufficient to determine the role of this variant in disease. Therefore, it has been classified as a Variant of Uncertain Significance.

GeneDx
Classification: Uncertain significance. Last evaluated: 2021-02-22. Review status: criteria provided, single submitter. Criteria: GeneDx Variant Classification Process June 2021. Collection method: clinical testing. Allele origin: germline. Affected: yes.
Comment: Not observed at a significant frequency in large population cohorts (Lek et al., 2016); In silico analysis supports that this missense variant has a deleterious effect on protein structure/function; Has not been previously published as pathogenic or benign to our knowledge